The following is an entry in ClinVar:

ClinVar aggregate classification (germline): Pathogenic (1 of 4 stars; one submission).

Conditions:
Hereditary hemochromatosis (HFE). Identifiers: MedGen C0392514, MONDO:0006507. Disease mechanism: loss of function.

Submission:

Labcorp Genetics (formerly Invitae), Labcorp
Classification: Pathogenic for Hereditary hemochromatosis. Last evaluated: 2023-05-02. Review status: criteria provided, single submitter. Criteria: Invitae Variant Classification Sherloc (09022015). Collection method: clinical testing. Allele origin: germline.
Comment: For these reasons, this variant has been classified as Pathogenic. This sequence change creates a premature translational stop signal (p.Trp489*) in the TFR2 gene. It is expected to result in an absent or disrupted protein product. Loss-of-function variants in TFR2 are known to be pathogenic (PMID: 23600741, 26029709). Information on the frequency of this variant in the gnomAD database is not available, as this variant may be reported differently in the database. This variant has not been reported in the literature in individuals affected with TFR2-related conditions.

Literature cited by the submitters: PubMed 23600741; PubMed 26029709.

NM_003227.4(TFR2):c.1467_1468delinsAT (p.Trp489_Leu490delinsTer)

Gene: TFR2 (transferrin receptor 2; minus strand). Cytogenetic location: 7q22.1.
Variant type: Indel.
Coding change: c.1467_1468delinsAT on transcript NM_003227.4 (MANE Select); coding-DNA positions 1467 to 1468, GC replaced by AT.
Protein change: p.Trp489_Leu490delinsTer.
Molecular consequence: nonsense.
Genome position (GRCh38, 1-based): chr7:100,628,229-100,628,230, GC replaced by AT on the plus strand (GC replaced by AT on the coding strand, the reverse complement: TFR2 is on the minus strand). VCF-style: chr7-100628229-GC-AT. GRCh37 (hg19) VCF-style: chr7-100225852-GC-AT.
Other names: c.954_955delinsAT, p.Trp318_Leu319delinsTer (NM_001206855.3).
Identifiers: ClinVar variation 2814974 (VCV002814974.3), dbSNP rs2486120240, ClinGen allele CA2739279576.